The following is an entry in ClinVar:

ClinVar aggregate classification (germline): Uncertain significance (1 of 4 stars; one submission).

Allele frequency attached by ClinVar (database versions not stated): gnomAD exomes below 0.00001; TOPMed 0.00001.
gnomAD v4.1: 2 of 1,614,090 alleles (0.00012%); highest among the groups gnomAD compares: East Asian, 0.0022%; no homozygotes.

Submission:

GeneDx
Classification: Uncertain significance. Last evaluated: 2022-03-19. Review status: criteria provided, single submitter. Criteria: GeneDx Variant Classification Process June 2021. Collection method: clinical testing. Allele origin: germline. Affected: yes.
Comment: Not observed at significant frequency in large population cohorts (gnomAD); In silico analysis supports that this missense variant has a deleterious effect on protein structure/function; Has not been previously published as pathogenic or benign to our knowledge

NM_000254.3(MTR):c.1760T>C (p.Met587Thr)

Gene: MTR (5-methyltetrahydrofolate-homocysteine methyltransferase; plus strand). Cytogenetic location: 1q43.
Variant type: single nucleotide variant.
Coding change: c.1760T>C on transcript NM_000254.3 (MANE Select); coding-DNA position 1760, T replaced by C.
Protein change: p.Met587Thr; replaces methionine 587 with threonine.
Molecular consequence: missense variant.
Genome position (GRCh38, 1-based): chr1:236,852,585, T>C. VCF-style: chr1-236852585-T-C. GRCh37 (hg19) VCF-style: chr1-237015885-T-C.
Other names: c.1760T>C, p.Met587Thr (NM_001291939.1, NM_001410942.1); c.539T>C, p.Met180Thr (NM_001291940.2); short protein forms M180T, M587T.
Identifiers: ClinVar variation 1706180 (VCV001706180.2), dbSNP rs1663973571, ClinGen allele CA345374825.
Genomic context (GRCh38, chr1:236,852,585, plus strand): 5'-CATTACCTGGAGCCAGAATAAGTGGAGGTCTTTCCAACTTGTCCTTCTCCTTCCGAGGAA[T>C]GGAAGCCATTCGAGAAGCAATGCATGGGGTTTTCCTTTACCATGCAATCAAGGTATGGTA-3'
Protein context (NP_000245.2, residues 577-597): LSNLSFSFRG[Met587Thr]EAIREAMHGV